The following is an entry in ClinVar:

NM_000426.4(LAMA2):c.4660_4668del (p.Gly1554_Lys1556del)

Gene: LAMA2 (laminin subunit alpha 2; plus strand). Cytogenetic location: 6q22.33.
Variant type: Deletion.
Coding change: c.4660_4668del on transcript NM_000426.4 (MANE Select); coding-DNA positions 4660 to 4668, 9 bases deleted (GGAAGGAAG; older notation c.4660_4668delGGAAGGAAG).
Protein change: p.Gly1554_Lys1556del.
Molecular consequence: inframe deletion.
Genome position (GRCh38, 1-based): chr6:129,353,300-129,353,308, GGAAGGAAG deleted; deleting any 9 consecutive bases within chr6:129,353,299-129,353,308 gives the same sequence; the c. name uses the placement nearest the transcript's 3' end. VCF-style (leftmost placement, unchanged base first): chr6-129353298-CGGGAAGGAA-C. GRCh37 (hg19) VCF-style: chr6-129674443-CGGGAAGGAA-C.
Other names: c.4660_4668del, p.Gly1554_Lys1556del (NM_001079823.2); c.4660_4668del9 (NM_000426.3).
Identifiers: ClinVar variation 554076 (VCV000554076.10), dbSNP rs1554278670, ClinGen allele CA658821750.

ClinVar aggregate classification (germline): Uncertain significance. Review status: criteria provided, single submitter (1 of 4 stars). 2 submissions from 2 submitters: Uncertain significance (1). 1 of the submissions does not count toward it. Last evaluated 2024-05-22.

Conditions:
Merosin deficient congenital muscular dystrophy (MDC1A). Also called: Congenital Muscular Dystrophy Type 1A (MDC1A); Congenital merosin-deficient muscular dystrophy 1A. Identifiers: Orphanet 258, MedGen C1263858, MONDO:0011925, OMIM 607855.
LAMA2-related muscular dystrophy (LAMA2-RD). Also called: Laminin alpha 2-related dystrophy. Identifiers: MedGen C5679788, MONDO:0100228.

Submissions (2):

Labcorp Genetics (formerly Invitae), Labcorp
Classification: Uncertain significance for LAMA2-related muscular dystrophy. Last evaluated: 2024-05-22. Review status: criteria provided, single submitter. Criteria: Invitae Variant Classification Sherloc (09022015). Collection method: clinical testing. Allele origin: germline.
Comment: This variant, c.4660_4668del, results in the deletion of 3 amino acid(s) of the LAMA2 protein (p.Gly1554_Lys1556del), but otherwise preserves the integrity of the reading frame. This variant is not present in population databases (gnomAD no frequency). This variant has not been reported in the literature in individuals affected with LAMA2-related conditions. ClinVar contains an entry for this variant (Variation ID: 554076). Experimental studies and prediction algorithms are not available or were not evaluated, and the functional significance of this variant is currently unknown. In summary, the available evidence is currently insufficient to determine the role of this variant in disease. Therefore, it has been classified as a Variant of Uncertain Significance.

Counsyl
Classification: Uncertain significance for Merosin deficient congenital muscular dystrophy. Last evaluated: 2017-09-25. Review status: no assertion criteria provided. Collection method: clinical testing. Allele origin: unknown. Not counted in ClinVar's aggregate classification.